The following is an entry in ClinVar:

ClinVar aggregate classification (germline): Uncertain significance (1 of 4 stars; one submission).

Submission:

Labcorp Genetics (formerly Invitae), Labcorp
Classification: Uncertain significance. Last evaluated: 2024-02-17. Review status: criteria provided, single submitter. Criteria: Invitae Variant Classification Sherloc (09022015). Collection method: clinical testing. Allele origin: germline.
Comment: This sequence change replaces arginine, which is basic and polar, with glycine, which is neutral and non-polar, at codon 810 of the POLA1 protein (p.Arg810Gly). This variant is not present in population databases (gnomAD no frequency). This variant has not been reported in the literature in individuals affected with POLA1-related conditions. ClinVar contains an entry for this variant (Variation ID: 1384836). Advanced modeling of protein sequence and biophysical properties (such as structural, functional, and spatial information, amino acid conservation, physicochemical variation, residue mobility, and thermodynamic stability) performed at Invitae indicates that this missense variant is not expected to disrupt POLA1 protein function with a negative predictive value of 80%. In summary, the available evidence is currently insufficient to determine the role of this variant in disease. Therefore, it has been classified as a Variant of Uncertain Significance.

NM_001330360.2(POLA1):c.2446A>G (p.Arg816Gly)

Gene: POLA1 (DNA polymerase alpha 1, catalytic subunit; plus strand). Cytogenetic location: Xp22.11.
Variant type: single nucleotide variant.
Coding change: c.2446A>G on transcript NM_001330360.2 (MANE Select); coding-DNA position 2446, A replaced by G.
Protein change: p.Arg816Gly; replaces arginine 816 with glycine.
Molecular consequence: missense variant. On other transcripts: non-coding transcript variant (1).
Genome position (GRCh38, 1-based): chrX:24,742,101, A>G. VCF-style: chrX-24742101-A-G. GRCh37 (hg19) VCF-style: chrX-24760218-A-G.
Other names: c.2371A>G, p.Arg791Gly (NM_001378303.1); c.2428A>G, p.Arg810Gly (NM_016937.4); short protein forms R791G, R810G, R816G.
Identifiers: ClinVar variation 1384836 (VCV001384836.6), dbSNP rs1931696313, ClinGen allele CA412536525.